The following is an entry in ClinVar:

NM_015690.5(STK36):c.3332A>G (p.Tyr1111Cys)

Gene: STK36 (serine/threonine kinase 36; plus strand). Cytogenetic location: 2q35.
Variant type: single nucleotide variant.
Coding change: c.3332A>G on transcript NM_015690.5 (MANE Select); coding-DNA position 3332, A replaced by G.
Protein change: p.Tyr1111Cys; replaces tyrosine 1111 with cysteine.
Molecular consequence: missense variant.
Genome position (GRCh38, 1-based): chr2:218,698,876, A>G. VCF-style: chr2-218698876-A-G. GRCh37 (hg19) VCF-style: chr2-219563599-A-G.
Other names: c.3332A>G (NM_015690.4); c.3269A>G, p.Tyr1090Cys (NM_001243313.2); c.3332A>G, p.Tyr1111Cys (NM_001369423.1); short protein forms Y1090C, Y1111C.
Identifiers: ClinVar variation 1353944 (VCV001353944.9), dbSNP rs56278660, ClinGen allele CA2111378.

ClinVar aggregate classification (germline): Uncertain significance. Review status: criteria provided, multiple submitters, no conflicts (2 of 4 stars). 3 submissions from 3 submitters: Uncertain significance (3). Last evaluated 2024-08-23.

Allele frequency attached by ClinVar (database versions not stated): gnomAD exomes 0.00008 and 0.00010; ExAC 0.00013; gnomAD 0.00014 and 0.00017; TOPMed 0.00014; 1000 Genomes Project 30x 0.00016; 1000 Genomes Project 0.00020; ESP Exome Variant Server 0.00023.
gnomAD v4.1: 175 of 1,614,088 alleles (0.011%); highest among the groups gnomAD compares: African/African-American, 0.041%; 1 homozygote.

Submissions (3):

Blueprint Genetics
Classification: Uncertain significance. Last evaluated: 2024-08-23. Review status: criteria provided, single submitter. Criteria: ACMG Guidelines, 2015. Collection method: clinical testing. Allele origin: germline.

Ambry Genetics
Classification: Uncertain significance. Last evaluated: 2024-07-15. Review status: criteria provided, single submitter. Criteria: Ambry Variant Classification Scheme 2023. Collection method: clinical testing. Allele origin: germline.

Labcorp Genetics (formerly Invitae), Labcorp
Classification: Uncertain significance. Last evaluated: 2021-06-02. Review status: criteria provided, single submitter. Criteria: Invitae Variant Classification Sherloc (09022015). Collection method: clinical testing. Allele origin: germline.
Comment: This sequence change replaces tyrosine with cysteine at codon 1111 of the STK36 protein (p.Tyr1111Cys). The tyrosine residue is highly conserved and there is a large physicochemical difference between tyrosine and cysteine. This variant is present in population databases (rs56278660, ExAC 0.03%). This variant has not been reported in the literature in individuals with STK36-related conditions. Algorithms developed to predict the effect of missense changes on protein structure and function (SIFT, PolyPhen-2, Align-GVGD) all suggest that this variant is likely to be disruptive, but these predictions have not been confirmed by published functional studies and their clinical significance is uncertain. In summary, the available evidence is currently insufficient to determine the role of this variant in disease. Therefore, it has been classified as a Variant of Uncertain Significance.